The following is an entry in ClinVar:

NM_001220.5(CAMK2B):c.895A>G (p.Lys299Glu)

Gene: CAMK2B (calcium/calmodulin dependent protein kinase II beta; minus strand). Cytogenetic location: 7p13.
Variant type: single nucleotide variant.
Coding change: c.895A>G on transcript NM_001220.5 (MANE Select); coding-DNA position 895, A replaced by G.
Protein change: p.Lys299Glu; replaces lysine 299 with glutamic acid.
Molecular consequence: missense variant.
Genome position (GRCh38, 1-based): chr7:44,241,708, T>C on the plus strand (A>G on the coding strand, the complement: CAMK2B is on the minus strand). VCF-style: chr7-44241708-T-C. GRCh37 (hg19) VCF-style: chr7-44281307-T-C.
Other names: c.895A>G, p.Lys299Glu (NM_001293170.2, NM_172078.3, NM_172079.3 and 5 more transcripts); short protein forms K299E.
Identifiers: ClinVar variation 3769908 (VCV003769908.1).

ClinVar aggregate classification (germline): Likely pathogenic (1 of 4 stars; one submission).

Submission:

GeneDx
Classification: Likely pathogenic. Last evaluated: 2024-09-13. Review status: criteria provided, single submitter. Criteria: GeneDx Variant Classification Process June 2021. Collection method: clinical testing. Allele origin: germline. Affected: yes.
Comment: In silico analysis supports that this missense variant has a deleterious effect on protein structure/function; Not observed at significant frequency in large population cohorts (gnomAD); This variant is associated with the following publications: (PMID: 37734707)